The following is an entry in ClinVar:

NM_000245.4(MET):c.328G>A (p.Gly110Ser)

Gene: MET (MET proto-oncogene, receptor tyrosine kinase; plus strand). Cytogenetic location: 7q31.2.
Variant type: single nucleotide variant.
Coding change: c.328G>A on transcript NM_000245.4 (MANE Select); coding-DNA position 328, G replaced by A.
Protein change: p.Gly110Ser; replaces glycine 110 with serine.
Molecular consequence: missense variant. On other transcripts: intron variant (1).
Genome position (GRCh38, 1-based): chr7:116,699,412, G>A. VCF-style: chr7-116699412-G-A. GRCh37 (hg19) VCF-style: chr7-116339466-G-A.
Other names: c.328G>A, p.Gly110Ser (NM_001127500.3, NM_001324401.3); c.-91+26835G>A (NM_001324402.2); short protein forms G110S.
Identifiers: ClinVar variation 2799961 (VCV002799961.5), dbSNP rs762059386, ClinGen allele CA368968833.
Genomic context (GRCh38, chr7:116,699,412, plus strand): 5'-CTGGAACACCCAGATTGTTTCCCATGTCAGGACTGCAGCAGCAAAGCCAATTTATCAGGA[G>A]GTGTTTGGAAAGATAACATCAACATGGCTCTAGTTGTCGACACCTACTATGATGATCAAC-3'
Protein context (NP_000236.2, residues 100-120): DCSSKANLSG[Gly110Ser]VWKDNINMAL

ClinVar aggregate classification (germline): Conflicting classifications of pathogenicity. Review status: criteria provided, conflicting classifications (1 of 4 stars). 2 submissions from 2 submitters: Uncertain significance (1); Likely benign (1). Last evaluated 2026-06-01.

Conditions:
Renal cell carcinoma. Identifiers: Orphanet 217071, MedGen C0007134, MeSH D002292, MONDO:0005086, HP:0005584.
Hereditary cancer-predisposing syndrome. Also called: Tumor predisposition; Hereditary neoplastic syndrome; Neoplastic Syndromes, Hereditary; Hereditary Cancer Syndrome. Identifiers: Orphanet 140162, MedGen C0027672, MeSH D009386, MONDO:0015356.

Submissions (2):

Ambry Genetics
Classification: Likely benign for Hereditary cancer-predisposing syndrome. Last evaluated: 2026-06-01. Review status: criteria provided, single submitter. Criteria: Ambry Variant Classification Scheme 2023. Collection method: clinical testing. Allele origin: germline.

Labcorp Genetics (formerly Invitae), Labcorp
Classification: Uncertain significance for Renal cell carcinoma. Last evaluated: 2023-04-02. Review status: criteria provided, single submitter. Criteria: Invitae Variant Classification Sherloc (09022015). Collection method: clinical testing. Allele origin: germline.
Comment: In summary, the available evidence is currently insufficient to determine the role of this variant in disease. Therefore, it has been classified as a Variant of Uncertain Significance. This sequence change replaces glycine, which is neutral and non-polar, with serine, which is neutral and polar, at codon 110 of the MET protein (p.Gly110Ser). This variant is not present in population databases (gnomAD no frequency). This variant has not been reported in the literature in individuals affected with MET-related conditions. Advanced modeling of protein sequence and biophysical properties (such as structural, functional, and spatial information, amino acid conservation, physicochemical variation, residue mobility, and thermodynamic stability) performed at Invitae indicates that this missense variant is not expected to disrupt MET protein function.